The following is an entry in ClinVar:

ClinVar aggregate classification (germline): Uncertain significance. Review status: criteria provided, multiple submitters, no conflicts (2 of 4 stars). 2 submissions from 2 submitters: Uncertain significance (2). Last evaluated 2025-06-15.

gnomAD v4.1: 1 of 1,614,192 alleles (0.000062%); highest among the groups gnomAD compares: Non-Finnish European, 0.000085%; no homozygotes.

Submissions (2):

Labcorp Genetics (formerly Invitae), Labcorp
Classification: Uncertain significance. Last evaluated: 2025-06-15. Review status: criteria provided, single submitter. Criteria: Invitae Variant Classification Sherloc (09022015). Collection method: clinical testing. Allele origin: germline.
Comment: This sequence change replaces glutamine, which is neutral and polar, with arginine, which is basic and polar, at codon 156 of the ADNP protein (p.Gln156Arg). This variant is not present in population databases (gnomAD no frequency). This variant has not been reported in the literature in individuals affected with ADNP-related conditions. ClinVar contains an entry for this variant (Variation ID: 3367937). An algorithm developed to predict the effect of missense changes on protein structure and function (PolyPhen-2) suggests that this variant is likely to be tolerated. In summary, the available evidence is currently insufficient to determine the role of this variant in disease. Therefore, it has been classified as a Variant of Uncertain Significance.

GeneDx
Classification: Uncertain significance. Last evaluated: 2024-01-16. Review status: criteria provided, single submitter. Criteria: GeneDx Variant Classification Process June 2021. Collection method: clinical testing. Allele origin: germline. Affected: yes.
Comment: Not observed at significant frequency in large population cohorts (gnomAD); In silico analysis supports that this missense variant does not alter protein structure/function; Has not been previously published as pathogenic or benign to our knowledge

NM_001282531.3(ADNP):c.467A>G (p.Gln156Arg)

Gene: ADNP (activity dependent neuroprotector homeobox; minus strand). Cytogenetic location: 20q13.13.
Variant type: single nucleotide variant.
Coding change: c.467A>G on transcript NM_001282531.3 (MANE Select); coding-DNA position 467, A replaced by G.
Protein change: p.Gln156Arg; replaces glutamine 156 with arginine.
Molecular consequence: missense variant.
Genome position (GRCh38, 1-based): chr20:50,894,247, T>C on the plus strand (A>G on the coding strand, the complement: ADNP is on the minus strand). VCF-style: chr20-50894247-T-C. GRCh37 (hg19) VCF-style: chr20-49510784-T-C.
Other names: c.467A>G, p.Gln156Arg (NM_001282532.2, NM_001347511.2, NM_015339.5 and 1 more transcripts); short protein forms Q156R.
Identifiers: ClinVar variation 3367937 (VCV003367937.2).